The following is an entry in ClinVar:

ClinVar aggregate classification (germline): Pathogenic (1 of 4 stars; one submission).

Submission:

Labcorp Genetics (formerly Invitae), Labcorp
Classification: Pathogenic. Last evaluated: 2024-01-12. Review status: criteria provided, single submitter. Criteria: Invitae Variant Classification Sherloc (09022015). Collection method: clinical testing. Allele origin: unknown.
Comment: This variant is a gross deletion of the genomic region encompassing exon(s) 5-8 of the PAX3 gene, which includes the termination codon. This deletion extends beyond the assayed region for this gene and therefore may encompass additional genes. While this deletion is not anticipated to lead to nonsense mediated decay, it is expected to alter mRNA translation or result in a truncated protein product. This variant has not been reported in the literature in individuals affected with PAX3-related conditions. This variant disrupts a region of the PAX3 protein in which other variant(s) (p.Gln405Argfs*29) have been determined to be pathogenic (PMID: 9654197; Invitae). This suggests that this is a clinically significant region of the protein, and that variants that disrupt it are likely to be disease-causing. For these reasons, this variant has been classified as Pathogenic.

Literature cited by the submitters: PubMed 9654197.

NC_000002.11:g.(?_223066643)_(223097022_?)del

Gene: PAX3 (paired box 3; minus strand). Cytogenetic location: 2q36.1.
Variant type: Deletion.
Identifiers: ClinVar variation 3247600 (VCV003247600.1).